The following is an entry in ClinVar:

GRCh37/hg19 4p16.3-15.32(chr4:68346-16744084)x3

Genes: ABLIM2 (actin binding LIM protein family member 2; minus strand), ACOX3 (acyl-CoA oxidase 3, pristanoyl; minus strand), ADD1 (adducin 1; plus strand), ADRA2C (adrenoceptor alpha 2C; plus strand), AFAP1 (actin filament associated protein 1; minus strand) and 129 more. Cytogenetic location: 4p16.3-15.32.
Variant type: copy number gain.
Change: copy number 3 (three copies instead of two) of chr4:68,346-16,744,084 (16.68 Mb, GRCh37 coordinates, 1-based), cytogenetic band 4p16.3-15.32.
Identifiers: ClinVar variation 3391844 (VCV003391844.1).

ClinVar aggregate classification (germline): Pathogenic (1 of 4 stars; one submission).

Submission:

Quest Diagnostics Nichols Institute San Juan Capistrano
Classification: Pathogenic. Last evaluated: 2024-03-01. Review status: criteria provided, single submitter. Criteria: ACMG/ClinGen CNV Guidelines, 2019. Collection method: clinical testing. Allele origin: unknown.
Comment: This copy number gain involves numerous protein-coding genes and contains the Wolf-Hirschhorn region (ISCA-37429). Heterozygous duplications within 4p16.3p15.32 have been identified in individuals with multiple phenotypes (Carmany 2011, Schonewolf-Greulich 2013). There are no similar copy number gains of this region in the general populations of the Database of Genomic Variants. Thus, based on gene count and current medical literature, this gain is classified as pathogenic. References: Carmany et al., Am J Med Genet A. 2011 Apr;155A(4):819-24. PMID: 21412978; Cotter et al., Am J Med Genet. 2001 Jul 22;102(1):76-80. PMID: 11471177; Piccione et al., Eur J Paediatr Neurol. 2015 Jul;19(4):477-83. PMID: 25769226; Zhang et al., Front Genet. 2023 Jun 14:14:1174314. PMID: 37388934